The following is an entry in ClinVar:

ClinVar aggregate classification (germline): Uncertain significance (1 of 4 stars; one submission).

gnomAD v4.1: 2 of 1,524,104 alleles (0.00013%); highest among the groups gnomAD compares: Non-Finnish European, 0.00018%; no homozygotes.

Submission:

Labcorp Genetics (formerly Invitae), Labcorp
Classification: Uncertain significance. Last evaluated: 2025-12-08. Review status: criteria provided, single submitter. Criteria: Invitae Variant Classification Sherloc (09022015). Collection method: clinical testing. Allele origin: germline.
Comment: This sequence change replaces proline, which is neutral and non-polar, with arginine, which is basic and polar, at codon 1672 of the OBSL1 protein (p.Pro1672Arg). This variant is not present in population databases (gnomAD no frequency). This variant has not been reported in the literature in individuals affected with OBSL1-related conditions. ClinVar contains an entry for this variant (Variation ID: 1427297). An algorithm developed to predict the effect of missense changes on protein structure and function (PolyPhen-2) suggests that this variant is likely to be tolerated. In summary, the available evidence is currently insufficient to determine the role of this variant in disease. Therefore, it has been classified as a Variant of Uncertain Significance.

NM_015311.3(OBSL1):c.5015C>G (p.Pro1672Arg)

Gene: OBSL1 (obscurin like cytoskeletal adaptor 1; minus strand). Cytogenetic location: 2q35.
Variant type: single nucleotide variant.
Coding change: c.5015C>G on transcript NM_015311.3 (MANE Select); coding-DNA position 5015, C replaced by G.
Protein change: p.Pro1672Arg; replaces proline 1672 with arginine.
Molecular consequence: missense variant.
Genome position (GRCh38, 1-based): chr2:219,552,999, G>C on the plus strand (C>G on the coding strand, the complement: OBSL1 is on the minus strand). VCF-style: chr2-219552999-G-C. GRCh37 (hg19) VCF-style: chr2-220417721-G-C.
Other names: short protein forms P1672R.
Identifiers: ClinVar variation 1427297 (VCV001427297.8), dbSNP rs769394823, ClinGen allele CA350720653.